The following is an entry in ClinVar:

NM_001042432.2(CLN3):c.678-18C>A

Gene: CLN3 (CLN3 lysosomal/endosomal transmembrane protein, battenin; minus strand). Cytogenetic location: 16p12.1.
Variant type: single nucleotide variant.
Coding change: c.678-18C>A on transcript NM_001042432.2 (MANE Select); 18 bases into the intron before coding-DNA position 678, C replaced by A.
Molecular consequence: intron variant.
Genome position (GRCh38, 1-based): chr16:28,484,136, G>T on the plus strand (C>A on the coding strand, the complement: CLN3 is on the minus strand). VCF-style: chr16-28484136-G-T. GRCh37 (hg19) VCF-style: chr16-28495457-G-T.
Other names: c.444-18C>A (NM_001286109.2); c.606-18C>A (NM_001286104.2); c.378-18C>A (NM_001286105.2); c.516-18C>A (NM_001286110.2); c.678-18C>A (NM_000086.2).
Identifiers: ClinVar variation 205089 (VCV000205089.10), dbSNP rs370158185, ClinGen allele CA313708.

ClinVar aggregate classification (germline): Benign/Likely benign. Review status: criteria provided, multiple submitters, no conflicts (2 of 4 stars). 3 submissions from 3 submitters: Benign (1); Likely benign (2). Last evaluated 2025-08-11.

Conditions:
Neuronal ceroid lipofuscinosis. Also called: Neuronal Ceroid Lipofuscinoses. Identifiers: Orphanet 216, Orphanet 79263, MedGen C0027877, MONDO:0016295. Disease mechanism: loss of function.

Allele frequency attached by ClinVar (database versions not stated): 1000 Genomes Project 30x 0.00016; 1000 Genomes Project 0.00020; ESP Exome Variant Server 0.00023; TOPMed 0.00027; gnomAD 0.00028 and 0.00031.
gnomAD v4.1: 86 of 1,580,718 alleles (0.0054%); highest among the groups gnomAD compares: African/African-American, 0.098%; no homozygotes.

Submissions (3):

Labcorp Genetics (formerly Invitae), Labcorp
Classification: Likely benign for Neuronal ceroid lipofuscinosis. Last evaluated: 2025-08-11. Review status: criteria provided, single submitter. Criteria: Invitae Variant Classification Sherloc (09022015). Collection method: clinical testing. Allele origin: germline.

Blueprint Genetics
Classification: Likely benign. Last evaluated: 2024-03-01. Review status: criteria provided, single submitter. Criteria: ACMG Guidelines, 2015. Collection method: clinical testing. Allele origin: germline.

GeneDx
Classification: Benign. Last evaluated: 2014-07-08. Review status: criteria provided, single submitter. Criteria: GeneDx Variant Classification (06012015). Collection method: clinical testing. Allele origin: germline. Affected: yes.
Comment: This variant is considered likely benign or benign based on one or more of the following criteria: it is a conservative change, it occurs at a poorly conserved position in the protein, it is predicted to be benign by multiple in silico algorithms, and/or has population frequency not consistent with disease.